The following is an entry in ClinVar:

NM_000346.4(SOX9):c.1142C>T (p.Thr381Met)

Gene: SOX9 (SRY-box transcription factor 9; plus strand). Cytogenetic location: 17q24.3.
Variant type: single nucleotide variant.
Coding change: c.1142C>T on transcript NM_000346.4 (MANE Select); coding-DNA position 1142, C replaced by T.
Protein change: p.Thr381Met; replaces threonine 381 with methionine.
Molecular consequence: missense variant.
Genome position (GRCh38, 1-based): chr17:72,123,999, C>T. VCF-style: chr17-72123999-C-T. GRCh37 (hg19) VCF-style: chr17-70120140-C-T.
Other names: short protein forms T381M.
Identifiers: ClinVar variation 4811825 (VCV004811825.1).

ClinVar aggregate classification (germline): Uncertain significance (1 of 4 stars; one submission).

Conditions:
Camptomelic dysplasia (CMPD). Also called: CMPD1/SRA1; Campomelic Dysplasia. Identifiers: Orphanet 140, MedGen C1861922, MONDO:0007251, OMIM 114290.

gnomAD v4.1: 2 of 1,600,874 alleles (0.00012%); highest among the groups gnomAD compares: South Asian, 0.0011%; no homozygotes.

Submission:

Labcorp Genetics (formerly Invitae), Labcorp
Classification: Uncertain significance for Camptomelic dysplasia. Last evaluated: 2025-12-24. Review status: criteria provided, single submitter. Criteria: Invitae Variant Classification Sherloc (09022015). Collection method: clinical testing. Allele origin: germline.
Comment: This sequence change replaces threonine, which is neutral and polar, with methionine, which is neutral and non-polar, at codon 381 of the SOX9 protein (p.Thr381Met). This variant is not present in population databases (gnomAD no frequency). This variant has not been reported in the literature in individuals affected with SOX9-related conditions. Invitae Evidence Modeling of protein sequence and biophysical properties (such as structural, functional, and spatial information, amino acid conservation, physicochemical variation, residue mobility, and thermodynamic stability) indicates that this missense variant is not expected to disrupt SOX9 protein function with a negative predictive value of 95%. In summary, the available evidence is currently insufficient to determine the role of this variant in disease. Therefore, it has been classified as a Variant of Uncertain Significance.